The following is an entry in ClinVar:

ClinVar aggregate classification (germline): Pathogenic. Review status: criteria provided, multiple submitters, no conflicts (2 of 4 stars). 2 submissions from 2 submitters: Pathogenic (2). Last evaluated 2026-06-02.

Conditions:
Cardiovascular phenotype. Identifiers: MedGen CN230736.
Hereditary cancer-predisposing syndrome. Also called: Hereditary Cancer Syndrome; Hereditary neoplastic syndrome; Neoplastic Syndromes, Hereditary; Tumor predisposition. Identifiers: Orphanet 140162, MedGen C0027672, MeSH D009386, MONDO:0015356.

Submissions (2):

Ambry Genetics
Classification: Pathogenic for Cardiovascular phenotype; Hereditary cancer-predisposing syndrome. Last evaluated: 2026-06-02. Review status: criteria provided, single submitter. Criteria: Ambry Variant Classification Scheme 2023. Collection method: clinical testing. Allele origin: germline.
Comment: The c.1510delG pathogenic mutation, located in coding exon 14 of the LZTR1 gene, results from a deletion of one nucleotide at nucleotide position 1510, causing a translational frameshift with a predicted alternate stop codon (p.A504Pfs*52). This variant is considered to be rare based on population cohorts in the Genome Aggregation Database (gnomAD). This alteration is expected to result in loss of function by premature protein truncation or nonsense-mediated mRNA decay. Loss-of-function variants in LZTR1 are related to an increased risk for schwannomas and autosomal recessive Noonan syndrome; however, such associations with autosomal dominant Noonan syndrome have not been observed (Piotrowski A et al. Nat Genet. 2014 Feb;46:182-7; Yamamoto GL et al. J Med Genet. 2015 Jun;52:413-21; Johnston JJ et al. Genet Med. 2018 10;20:1175-1185). Based on the supporting evidence, this variant is pathogenic for an increased risk of LZTR1-related schwannomatosis (SWN) and would be expected to cause autosomal recessive Noonan syndrome when present along with a second pathogenic or likely pathogenic variant on the other allele; however, the association of this variant with autosomal dominant Noonan syndrome is unlikely.

Labcorp Genetics (formerly Invitae), Labcorp
Classification: Pathogenic. Last evaluated: 2024-11-24. Review status: criteria provided, single submitter. Criteria: Invitae Variant Classification Sherloc (09022015). Collection method: clinical testing. Allele origin: germline.
Comment: This sequence change creates a premature translational stop signal (p.Ala504Profs*52) in the LZTR1 gene. It is expected to result in an absent or disrupted protein product. Loss-of-function variants in LZTR1 are known to be pathogenic (PMID: 24362817, 25335493, 25480913, 25795793, 29469822, 30368668, 30442762, 30442766, 30481304, 30859559). This variant is not present in population databases (gnomAD no frequency). This variant has not been reported in the literature in individuals affected with LZTR1-related conditions. For these reasons, this variant has been classified as Pathogenic.

Literature cited by the submitters: PubMed 24362817 (cited by Labcorp Genetics (formerly Invitae), Labcorp); PubMed 25335493 (cited by Labcorp Genetics (formerly Invitae), Labcorp); PubMed 25480913 (cited by Labcorp Genetics (formerly Invitae), Labcorp); PubMed 25795793 (cited by Labcorp Genetics (formerly Invitae), Labcorp); PubMed 29469822 (cited by Labcorp Genetics (formerly Invitae), Labcorp); PubMed 30368668 (cited by Labcorp Genetics (formerly Invitae), Labcorp); PubMed 30442762 (cited by Labcorp Genetics (formerly Invitae), Labcorp); PubMed 30442766 (cited by Labcorp Genetics (formerly Invitae), Labcorp); PubMed 30481304 (cited by Labcorp Genetics (formerly Invitae), Labcorp); PubMed 30859559 (cited by Labcorp Genetics (formerly Invitae), Labcorp).

NM_006767.4(LZTR1):c.1510del (p.Ala504fs)

Gene: LZTR1 (leucine zipper like post translational regulator 1; plus strand). Cytogenetic location: 22q11.21.
Variant type: Deletion.
Coding change: c.1510del on transcript NM_006767.4 (MANE Select); coding-DNA position 1510, one base deleted (G; older notation c.1510delG).
Protein change: p.Ala504fs; shifts the reading frame from alanine 504.
Molecular consequence: frameshift variant.
Genome position (GRCh38, 1-based): chr22:20,994,164, G deleted; the last of 4 consecutive G bases (chr22:20,994,161-20,994,164); deleting any one gives the same sequence. VCF-style (leftmost placement, unchanged base first): chr22-20994160-TG-T. GRCh37 (hg19) VCF-style: chr22-21348449-TG-T.
Other names: c.1510delG (NM_006767.3); short protein forms A504fs.
Identifiers: ClinVar variation 3713669 (VCV003713669.3).